The following is an entry in ClinVar:

NM_000292.3(PHKA2):c.1670C>G (p.Thr557Arg)

Gene: PHKA2 (phosphorylase kinase regulatory subunit alpha 2; minus strand). Cytogenetic location: Xp22.13.
Variant type: single nucleotide variant.
Coding change: c.1670C>G on transcript NM_000292.3 (MANE Select); coding-DNA position 1670, C replaced by G.
Protein change: p.Thr557Arg; replaces threonine 557 with arginine.
Molecular consequence: missense variant.
Genome position (GRCh38, 1-based): chrX:18,924,425, G>C on the plus strand (C>G on the coding strand, the complement: PHKA2 is on the minus strand). VCF-style: chrX-18924425-G-C. GRCh37 (hg19) VCF-style: chrX-18942543-G-C.
Other names: short protein forms T557R.
Identifiers: ClinVar variation 714585 (VCV000714585.35), dbSNP rs201183167, ClinGen allele CA10361825.
Genomic context (GRCh38, chrX:18,924,425, plus strand): 5'-AAATCCCTGGAGTTACTGAGCATGGTGCGACTGATGGGGAAGGTGAGTGTGGGTCTGCCC[G>C]TCATCCTCCAGCAGGTGCACAGGTAGGCCAGCTCGATCCTTAGCATCTCCACGATCATCT-3'
Protein context (NP_000283.1, residues 547-567): LAYLCTCWRM[Thr557Arg]GRPTLTFPIS

ClinVar aggregate classification (germline): Conflicting classifications of pathogenicity. Review status: criteria provided, conflicting classifications (1 of 4 stars). 5 submissions from 5 submitters: Uncertain significance (1); Benign (1); Likely benign (3). Last evaluated 2026-01-24.

Conditions:
Inborn genetic diseases. Identifiers: MedGen C0950123, MeSH D030342.
Glycogen storage disease IXa1. Also called: GLYCOGEN STORAGE DISEASE VIII; GSD VIII; Glycogen storage disease 8; LIVER GLYCOGENOSIS, X-LINKED, TYPE I. Identifiers: Orphanet 264580, MedGen C3694531, MONDO:0010598, OMIM 306000.

Allele frequency attached by ClinVar (database versions not stated): ESP Exome Variant Server 0.00028; gnomAD 0.00035 and 0.00038; TOPMed 0.00039.
gnomAD v4.1: 379 of 1,208,612 alleles (0.031%); highest among the groups gnomAD compares: Non-Finnish European, 0.0064%; no homozygotes.

Submissions (5):

Labcorp Genetics (formerly Invitae), Labcorp
Classification: Benign for Glycogen storage disease IXa1. Last evaluated: 2026-01-24. Review status: criteria provided, single submitter. Criteria: Invitae Variant Classification Sherloc (09022015). Collection method: clinical testing. Allele origin: germline.

GeneDx
Classification: Uncertain significance. Last evaluated: 2024-09-15. Review status: criteria provided, single submitter. Criteria: GeneDx Variant Classification Process June 2021. Collection method: clinical testing. Allele origin: germline. Affected: yes.
Comment: In silico analysis supports that this missense variant has a deleterious effect on protein structure/function; Has not been previously published as pathogenic or benign to our knowledge

CeGaT Center for Human Genetics Tuebingen
Classification: Likely benign. Last evaluated: 2023-04-01. Review status: criteria provided, single submitter. Criteria: CeGaT Center For Human Genetics Tuebingen Variant Classification Criteria Version 2. Collection method: clinical testing. Allele origin: germline. Affected: yes. Observed: 1 variant allele.
Comment: PHKA2: BS2

Fulgent Genetics
Classification: Likely benign for Glycogen storage disease IXa1. Last evaluated: 2022-01-18. Review status: criteria provided, single submitter. Criteria: ACMG Guidelines, 2015. Collection method: clinical testing. Allele origin: unknown.

Ambry Genetics
Classification: Likely benign for Inborn genetic diseases. Last evaluated: 2021-09-27. Review status: criteria provided, single submitter. Criteria: Ambry Variant Classification Scheme 2023. Collection method: clinical testing. Allele origin: germline.